The following is an entry in ClinVar:

NM_198173.3(GRHL3):c.204+2T>C

Gene: GRHL3 (grainyhead like transcription factor 3; plus strand). Cytogenetic location: 1p36.11.
Variant type: single nucleotide variant.
Coding change: c.204+2T>C on transcript NM_198173.3 (MANE Select); the canonical splice donor site of the intron after coding-DNA position 204, T replaced by C.
Molecular consequence: splice donor variant.
Genome position (GRCh38, 1-based): chr1:24,331,614, T>C. VCF-style: chr1-24331614-T-C. GRCh37 (hg19) VCF-style: chr1-24658104-T-C.
Other names: c.204+2T>C (NM_198174.3); c.66+2T>C (NM_001195010.2); c.219+2T>C (NM_021180.4).
Identifiers: ClinVar variation 2006242 (VCV002006242.4), dbSNP rs2522582333, ClinGen allele CA339042115.

ClinVar aggregate classification (germline): Likely pathogenic (1 of 4 stars; one submission).

Conditions:
Van der Woude syndrome 2 (VWS2). Identifiers: Orphanet 888, MedGen C1847604, MONDO:0011712, OMIM 606713.

Submission:

Labcorp Genetics (formerly Invitae), Labcorp
Classification: Likely pathogenic for Van der Woude syndrome 2. Last evaluated: 2022-06-14. Review status: criteria provided, single submitter. Criteria: Invitae Variant Classification Sherloc (09022015). Collection method: clinical testing. Allele origin: germline.
Comment: This variant has not been reported in the literature in individuals affected with GRHL3-related conditions. This variant is not present in population databases (gnomAD no frequency). This sequence change affects a donor splice site in intron 2 of the GRHL3 gene. It is expected to disrupt RNA splicing. Variants that disrupt the donor or acceptor splice site typically lead to a loss of protein function (PMID: 16199547), and loss-of-function variants in GRHL3 are known to be pathogenic (PMID: 22590528, 22829784, 24360809). Algorithms developed to predict the effect of sequence changes on RNA splicing suggest that this variant may disrupt the consensus splice site. In summary, the currently available evidence indicates that the variant is pathogenic, but additional data are needed to prove that conclusively. Therefore, this variant has been classified as Likely Pathogenic.

Literature cited by the submitters: PubMed 16199547; PubMed 22590528; PubMed 22829784; PubMed 24360809.